The following is an entry in ClinVar:

NM_130837.3(OPA1):c.718C>G (p.Gln240Glu)

Genes: OPA1 (OPA1 mitochondrial dynamin like GTPase; plus strand), OPA1-AS1 (OPA1 antisense RNA 1; minus strand). Cytogenetic location: 3q29.
Variant type: single nucleotide variant.
Coding change: c.718C>G on transcript NM_130837.3 (MANE Select); coding-DNA position 718, C replaced by G.
Protein change: p.Gln240Glu; replaces glutamine 240 with glutamic acid.
Molecular consequence: missense variant. On other transcripts: intron variant (5).
Genome position (GRCh38, 1-based): chr3:193,626,131, C>G. VCF-style: chr3-193626131-C-G. GRCh37 (hg19) VCF-style: chr3-193343920-C-G.
Other names: c.184C>G, p.Gln62Glu (NM_001354663.2); c.556C>G, p.Gln186Glu (NM_130833.3); c.610C>G, p.Gln204Glu (NM_130835.3); c.664C>G, p.Gln222Glu (NM_130836.3); c.253-5481C>G (NM_001354664.2); c.679-5481C>G (NM_130834.3); c.625-5481C>G (NM_015560.3); c.571-5481C>G (NM_130832.3); and 1 more; short protein forms Q186E, Q204E, Q222E, Q240E, Q62E.
Identifiers: ClinVar variation 2416689 (VCV002416689.6), dbSNP rs751085689, ClinGen allele CA2759121.

ClinVar aggregate classification (germline): Uncertain significance (1 of 4 stars; one submission).

Allele frequency attached by ClinVar (database versions not stated): TOPMed below 0.00001; gnomAD exomes 0.00001; ExAC 0.00002.
gnomAD v4.1: 19 of 1,614,046 alleles (0.0012%); highest among the groups gnomAD compares: East Asian, 0.038%; no homozygotes.

Submission:

Labcorp Genetics (formerly Invitae), Labcorp
Classification: Uncertain significance. Last evaluated: 2023-05-23. Review status: criteria provided, single submitter. Criteria: Invitae Variant Classification Sherloc (09022015). Collection method: clinical testing. Allele origin: germline.
Comment: This variant is present in population databases (rs751085689, gnomAD 0.02%). This sequence change replaces glutamine, which is neutral and polar, with glutamic acid, which is acidic and polar, at codon 240 of the OPA1 protein (p.Gln240Glu). The OPA1 gene has multiple clinically relevant transcripts. This variant occurs in alternate transcript NM_130837.2, and corresponds to NM_015560.2:c.625-5481C>G in the primary transcript. ClinVar contains an entry for this variant (Variation ID: 2416689). This variant has not been reported in the literature in individuals affected with OPA1-related conditions. In summary, the available evidence is currently insufficient to determine the role of this variant in disease. Therefore, it has been classified as a Variant of Uncertain Significance. Algorithms developed to predict the effect of sequence changes on RNA splicing suggest that this variant is not likely to affect RNA splicing. Experimental studies and prediction algorithms are not available or were not evaluated, and the functional significance of this variant is currently unknown.